The following is an entry in ClinVar:

NM_000222.3(KIT):c.1835T>C (p.Ile612Thr)

Gene: KIT (KIT proto-oncogene, receptor tyrosine kinase; plus strand). Cytogenetic location: 4q12.
Variant type: single nucleotide variant.
Coding change: c.1835T>C on transcript NM_000222.3 (MANE Select); coding-DNA position 1835, T replaced by C.
Protein change: p.Ile612Thr; replaces isoleucine 612 with threonine.
Molecular consequence: missense variant.
Genome position (GRCh38, 1-based): chr4:54,727,883, T>C. VCF-style: chr4-54727883-T-C. GRCh37 (hg19) VCF-style: chr4-55594049-T-C.
Other names: c.1823T>C, p.Ile608Thr (NM_001093772.2, NM_001385286.1); c.1838T>C, p.Ile613Thr (NM_001385284.1, NM_001385290.1); c.1835T>C, p.Ile612Thr (NM_001385285.1); c.1826T>C, p.Ile609Thr (NM_001385288.1, NM_001385292.1); c.1835T>C (NM_000222.2); short protein forms I612T, I608T, I609T, I613T.
Identifiers: ClinVar variation 1512880 (VCV001512880.9), dbSNP rs1322867456, ClinGen allele CA356908095.

ClinVar aggregate classification (germline): Uncertain significance. Review status: criteria provided, multiple submitters, no conflicts (2 of 4 stars). 2 submissions from 2 submitters: Uncertain significance (2). Last evaluated 2026-08-05.

Conditions:
Hereditary cancer-predisposing syndrome. Also called: Hereditary Cancer Syndrome; Tumor predisposition; Neoplastic Syndromes, Hereditary; Hereditary neoplastic syndrome. Identifiers: Orphanet 140162, MedGen C0027672, MeSH D009386, MONDO:0015356.
Gastrointestinal stromal tumor. Also called: Gastrointestinal stromal tumor, somatic; Gastrointestinal stroma tumor. Identifiers: Orphanet 44890, MedGen C0238198, MeSH D046152, MONDO:0011719, OMIM 606764, HP:0100723.

Allele frequency attached by ClinVar (database versions not stated): gnomAD exomes below 0.00001; gnomAD 0.00001; TOPMed below 0.00001.
gnomAD v4.1: 2 of 1,613,940 alleles (0.00012%); highest among the groups gnomAD compares: Non-Finnish European, 0.00017%; no homozygotes.

Submissions (2):

Ambry Genetics
Classification: Uncertain significance for Hereditary cancer-predisposing syndrome. Last evaluated: 2026-08-05. Review status: criteria provided, single submitter. Criteria: Ambry Variant Classification Scheme 2023. Collection method: clinical testing. Allele origin: germline.
Comment: The p.I612T variant (also known as c.1835T>C), located in coding exon 12 of the KIT gene, results from a T to C substitution at nucleotide position 1835. The isoleucine at codon 612 is replaced by threonine, an amino acid with similar properties. This amino acid position is not well conserved in available vertebrate species. In addition, the in silico prediction for this alteration is inconclusive. Based on the available evidence, the clinical significance of this variant remains unclear.

Labcorp Genetics (formerly Invitae), Labcorp
Classification: Uncertain significance for Gastrointestinal stromal tumor. Last evaluated: 2025-07-13. Review status: criteria provided, single submitter. Criteria: Invitae Variant Classification Sherloc (09022015). Collection method: clinical testing. Allele origin: germline.
Comment: This sequence change replaces isoleucine, which is neutral and non-polar, with threonine, which is neutral and polar, at codon 612 of the KIT protein (p.Ile612Thr). This variant is not present in population databases (gnomAD no frequency). This variant has not been reported in the literature in individuals affected with KIT-related conditions. ClinVar contains an entry for this variant (Variation ID: 1512880). An algorithm developed to predict the effect of missense changes on protein structure and function (PolyPhen-2) suggests that this variant is likely to be tolerated. In summary, the available evidence is currently insufficient to determine the role of this variant in disease. Therefore, it has been classified as a Variant of Uncertain Significance.